The following is an entry in ClinVar:

NM_001297.5(CNGB1):c.1473G>A (p.Pro491=)

Gene: CNGB1 (cyclic nucleotide gated channel subunit beta 1; minus strand). Cytogenetic location: 16q21.
Variant type: single nucleotide variant.
Coding change: c.1473G>A on transcript NM_001297.5 (MANE Select); coding-DNA position 1473, G replaced by A.
Protein change: p.Pro491=; no amino-acid change (proline 491 retained).
Molecular consequence: synonymous variant.
Genome position (GRCh38, 1-based): chr16:57,931,778, C>T on the plus strand (G>A on the coding strand, the complement: CNGB1 is on the minus strand). VCF-style: chr16-57931778-C-T. GRCh37 (hg19) VCF-style: chr16-57965682-C-T.
Other names: c.1455G>A, p.Pro485= (NM_001286130.2).
Identifiers: ClinVar variation 100566 (VCV000100566.16), dbSNP rs9925973, ClinGen allele CA228890.

ClinVar aggregate classification (germline): Benign. Review status: criteria provided, multiple submitters, no conflicts (2 of 4 stars). 5 submissions from 5 submitters: Benign (4). 1 of the submissions does not count toward it. Last evaluated 2026-02-02.

Conditions:
Retinal dystrophy. Also called: Inherited retinal dystrophy. Identifiers: Orphanet 71862, MedGen C0854723, MeSH D058499, MONDO:0019118, HP:0000556.
Retinitis pigmentosa (RP). Identifiers: Orphanet 791, MedGen C0035334, MeSH D012174, MONDO:0019200, OMIM 268000. Inheritance: Autosomal dominant, autosomal recessive and X linked inheritance.

Allele frequency attached by ClinVar (database versions not stated): gnomAD exomes 0.00804; ExAC 0.00913; 1000 Genomes Project 0.02915; gnomAD 0.03012 and 0.03233; 1000 Genomes Project 30x 0.03076; ESP Exome Variant Server 0.03258; TOPMed 0.03523.
gnomAD v4.1: 9,698 of 1,614,046 alleles (0.6%); highest among the groups gnomAD compares: African/African-American, 10%; 432 homozygotes.

Submissions (5):

Labcorp Genetics (formerly Invitae), Labcorp
Classification: Benign. Last evaluated: 2026-02-02. Review status: criteria provided, single submitter. Criteria: Invitae Variant Classification Sherloc (09022015). Collection method: clinical testing. Allele origin: germline.

Dept Of Ophthalmology, Nagoya University
Classification: Benign for Retinal dystrophy. Last evaluated: 2023-10-01. Review status: criteria provided, single submitter. Criteria: Submitter's publication. Collection method: research. Allele origin: germline. Affected: yes.

Illumina Laboratory Services, Illumina
Classification: Benign for Retinitis pigmentosa. Last evaluated: 2018-01-13. Review status: criteria provided, single submitter. Criteria: ICSL Variant Classification Criteria 13 December 2019. Collection method: clinical testing. Allele origin: germline.
Comment: This variant was observed in the ICSL laboratory as part of a predisposition screen in an ostensibly healthy population. It had not been previously curated by ICSL or reported in the Human Gene Mutation Database (HGMD: prior to June 1st, 2018), and was therefore a candidate for classification through an automated scoring system. Utilizing variant allele frequency, disease prevalence and penetrance estimates, and inheritance mode, an automated score was calculated to assess if this variant is too frequent to cause the disease. Based on the score and internal cut-off values, a variant classified as benign is not then subjected to further curation. The score for this variant resulted in a classification of benign for this disease.

Breakthrough Genomics
Classification: Benign. Review status: criteria provided, single submitter. Criteria: ACMG Guidelines, 2015. Collection method: not provided. Allele origin: germline. Inheritance: Autosomal recessive inheritance. Affected: yes.

NEI Ophthalmic Genomics Laboratory, National Institutes of Health
No classification provided. Review status: no classification provided. Collection method: not provided. Allele origin: not provided. Not counted in ClinVar's aggregate classification.